The following is an entry in ClinVar:

ClinVar aggregate classification (germline): Uncertain significance (1 of 4 stars; one submission).

Submission:

Ambry Genetics
Classification: Uncertain significance. Last evaluated: 2025-11-07. Review status: criteria provided, single submitter. Criteria: Ambry Variant Classification Scheme 2023. Collection method: clinical testing. Allele origin: germline.
Comment: The p.L1263P variant (also known as c.3788T>C), located in coding exon 7 of the MLH3 gene, results from a T to C substitution at nucleotide position 3788. The leucine at codon 1263 is replaced by proline, an amino acid with similar properties. This amino acid position is conserved. In addition, the in silico prediction for this alteration is inconclusive. Based on the available evidence, the clinical significance of this variant remains unclear.

NM_001040108.2(MLH3):c.3788T>C (p.Leu1263Pro)

Gene: MLH3 (mutL homolog 3; minus strand). Cytogenetic location: 14q24.3.
Variant type: single nucleotide variant.
Coding change: c.3788T>C on transcript NM_001040108.2 (MANE Select); coding-DNA position 3788, T replaced by C.
Protein change: p.Leu1263Pro; replaces leucine 1263 with proline.
Molecular consequence: missense variant.
Genome position (GRCh38, 1-based): chr14:75,032,107, A>G on the plus strand (T>C on the coding strand, the complement: MLH3 is on the minus strand). VCF-style: chr14-75032107-A-G. GRCh37 (hg19) VCF-style: chr14-75498810-A-G.
Other names: c.3716T>C, p.Leu1239Pro (NM_014381.3); short protein forms L1263P, L1239P.
Identifiers: ClinVar variation 4552115 (VCV004552115.1).
Genomic context (GRCh38, chr14:75,032,107, plus strand): 5'-CATTCTCATGGTGGTACTGACCATAAGAGTCTCCTTTGTTCCTCTGTCACTGTTATCTCT[A>G]GCGGAGGAATTAGAGTAGAAGACAGTAATTTTTTCCGACCAGAGCCTTGTGCCTGTTGCT-3'
Protein context (NP_001035197.1, residues 1253-1273): KLLSSTLIPP[Leu1263Pro]EITVTEEQRR